The following is an entry in ClinVar:

NM_000057.4(BLM):c.3335A>C (p.Asn1112Thr)

Gene: BLM (BLM RecQ like helicase; plus strand). Cytogenetic location: 15q26.1.
Variant type: single nucleotide variant.
Coding change: c.3335A>C on transcript NM_000057.4 (MANE Select); coding-DNA position 3335, A replaced by C.
Protein change: p.Asn1112Thr; replaces asparagine 1112 with threonine.
Molecular consequence: missense variant.
Genome position (GRCh38, 1-based): chr15:90,798,314, A>C. VCF-style: chr15-90798314-A-C. GRCh37 (hg19) VCF-style: chr15-91341544-A-C.
Other names: c.3335A>C, p.Asn1112Thr (NM_001287246.2, NM_001287247.2); c.2210A>C, p.Asn737Thr (NM_001287248.2); short protein forms N737T, N1112T.
Identifiers: ClinVar variation 1730345 (VCV001730345.3), dbSNP rs1897081867, ClinGen allele CA393847362.
Genomic context (GRCh38, chr15:90,798,314, plus strand): 5'-GTTCATCACAAGGAATGAGAAATATAAAACATGTAGGTCCTTCTGGAAGATTTACTATGA[A>C]TATGCTGGTCGACATTTTCTTGGGTAAGTCATCTGTTTTGAATGTTTGAGTTACTTCAAT-3'
Protein context (NP_000048.1, residues 1102-1122): HVGPSGRFTM[Asn1112Thr]MLVDIFLGSK

ClinVar aggregate classification (germline): Uncertain significance (1 of 4 stars; one submission).

Conditions:
Hereditary cancer-predisposing syndrome. Also called: Neoplastic Syndromes, Hereditary; Tumor predisposition; Hereditary Cancer Syndrome; Hereditary neoplastic syndrome. Identifiers: Orphanet 140162, MedGen C0027672, MeSH D009386, MONDO:0015356.

Submission:

Ambry Genetics
Classification: Uncertain significance for Hereditary cancer-predisposing syndrome. Last evaluated: 2025-03-28. Review status: criteria provided, single submitter. Criteria: Ambry Variant Classification Scheme 2023. Collection method: clinical testing. Allele origin: germline.
Comment: The p.N1112T variant (also known as c.3335A>C), located in coding exon 16 of the BLM gene, results from an A to C substitution at nucleotide position 3335. The asparagine at codon 1112 is replaced by threonine, an amino acid with similar properties. This amino acid position is conserved. In addition, this alteration is predicted to be tolerated by in silico analysis. Since supporting evidence is limited at this time, the clinical significance of this alteration remains unclear.